The following is an entry in ClinVar:

NM_014017.4(LAMTOR2):c.111C>T (p.Tyr37=)

Gene: LAMTOR2 (late endosomal/lysosomal adaptor, MAPK and MTOR activator 2; plus strand). Cytogenetic location: 1q22.
Variant type: single nucleotide variant.
Coding change: c.111C>T on transcript NM_014017.4 (MANE Select); coding-DNA position 111, C replaced by T.
Protein change: p.Tyr37=; no amino-acid change (tyrosine 37 retained).
Molecular consequence: synonymous variant.
Genome position (GRCh38, 1-based): chr1:156,055,305, C>T. VCF-style: chr1-156055305-C-T. GRCh37 (hg19) VCF-style: chr1-156025096-C-T.
Other names: c.111C>T, p.Tyr37= (NM_001145264.2).
Identifiers: ClinVar variation 1165734 (VCV001165734.16), dbSNP rs7541, ClinGen allele CA1154315.

ClinVar aggregate classification (germline): Benign/Likely benign. Review status: criteria provided, multiple submitters, no conflicts (2 of 4 stars). 5 submissions from 5 submitters: Benign (4); Likely benign (1). Last evaluated 2026-02-04.

Allele frequency attached by ClinVar (database versions not stated): 1000 Genomes Project 30x 0.07121; 1000 Genomes Project 0.07169; TOPMed 0.11495; gnomAD 0.11678 and 0.11940; ExAC 0.12031; gnomAD exomes 0.12144 and 0.14837; ESP Exome Variant Server 0.12702.
gnomAD v4.1: 234,675 of 1,614,022 alleles (15%); highest among the groups gnomAD compares: Middle Eastern, 19%; 18,659 homozygotes.

Submissions (5):

Labcorp Genetics (formerly Invitae), Labcorp
Classification: Benign. Last evaluated: 2026-02-04. Review status: criteria provided, single submitter. Criteria: Invitae Variant Classification Sherloc (09022015). Collection method: clinical testing. Allele origin: germline.

Women's Health and Genetics/Laboratory Corporation of America, LabCorp
Classification: Benign. Last evaluated: 2026-01-21. Review status: criteria provided, single submitter. Criteria: LabCorp Variant Classification Summary - May 2015. Collection method: clinical testing. Allele origin: germline.

Blueprint Genetics
Classification: Likely benign. Last evaluated: 2024-11-26. Review status: criteria provided, single submitter. Criteria: ACMG Guidelines, 2015. Collection method: clinical testing. Allele origin: germline.

GeneDx
Classification: Benign. Last evaluated: 2021-06-09. Review status: criteria provided, single submitter. Criteria: GeneDx Variant Classification Process June 2021. Collection method: clinical testing. Allele origin: germline. Affected: yes.

Breakthrough Genomics
Classification: Benign. Review status: criteria provided, single submitter. Criteria: ACMG Guidelines, 2015. Collection method: not provided. Allele origin: germline. Inheritance: Autosomal recessive inheritance. Affected: yes.